The following is an entry in ClinVar:

NM_020888.3(NHSL3):c.2652G>C (p.Leu884=)

Gene: NHSL3 (NHS like 3; plus strand). Cytogenetic location: 1p35.1.
Variant type: single nucleotide variant.
Coding change: c.2652G>C on transcript NM_020888.3 (MANE Select); coding-DNA position 2652, G replaced by C.
Protein change: p.Leu884=; no amino-acid change (leucine 884 retained).
Molecular consequence: synonymous variant. On other transcripts: intron variant (1).
Genome position (GRCh38, 1-based): chr1:32,771,831, G>C. VCF-style: chr1-32771831-G-C. GRCh37 (hg19) VCF-style: chr1-33237432-G-C.
Other names: c.2475G>C, p.Leu825= (NM_001198972.2); c.2508G>C, p.Leu836= (NM_001369553.1); c.410-1034G>C (NM_001198973.2).
Identifiers: ClinVar variation 2638612 (VCV002638612.23), dbSNP rs1271709486, ClinGen allele CA417239850.

ClinVar aggregate classification (germline): Likely benign (1 of 4 stars; one submission).

Allele frequency attached by ClinVar (database versions not stated): gnomAD exomes below 0.00001; TOPMed below 0.00001; gnomAD 0.00001.
gnomAD v4.1: 7 of 1,610,692 alleles (0.00043%); highest among the groups gnomAD compares: Non-Finnish European, 0.00059%; no homozygotes.

Submission:

CeGaT Center for Human Genetics Tuebingen
Classification: Likely benign. Last evaluated: 2022-07-01. Review status: criteria provided, single submitter. Criteria: CeGaT Center For Human Genetics Tuebingen Variant Classification Criteria Version 2. Collection method: clinical testing. Allele origin: germline. Affected: yes. Observed: 1 variant allele.
Comment: NHSL3: BP4, BP7